The following is an entry in ClinVar:

ClinVar aggregate classification (germline): Conflicting classifications of pathogenicity. Review status: criteria provided, conflicting classifications (1 of 4 stars). 3 submissions from 3 submitters: Pathogenic (1); Likely pathogenic (1); Uncertain significance (1). Last evaluated 2026-07-01.

Conditions:
Glycogen storage disease, type II (IOPD). Also called: Pompe Disease; CARDIOMEGALIA GLYCOGENICA DIFFUSA; GLYCOGENOSIS, GENERALIZED, CARDIAC FORM; GSD II; POMPE DISEASE, INFANTILE-ONSET; GLYCOGEN STORAGE DISEASE II, INFANTILE-ONSET. Identifiers: Orphanet 365, MedGen C0017921, MONDO:0009290, OMIM 232300.

Submissions (3):

Genomenon, Inc
Classification: Uncertain significance for Glycogen storage disease, type II. Last evaluated: 2026-07-01. Review status: criteria provided, single submitter. Criteria: Genomenon Sequence Variant Interpretation Standards - Updated. Collection method: curation. Allele origin: germline. Affected: yes.
Comment: GAA p.Leu398Pro (c.1193T>C) is a missense variant that changes the amino acid at codon 398 from Leucine to Proline. This variant has been observed in at least one proband with a GAA-related disorder in the compound heterozygous and/or homozygous state (PMID:34647686). It is absent or not present at a significant frequency in gnomAD. In silico models predict that this variant is possibly or probably damaging. In conclusion, we classify GAA p.Leu398Pro (c.1193T>C) as a variant of uncertain significance.

AiLife Diagnostics
Classification: Likely pathogenic. Last evaluated: 2022-03-03. Review status: criteria provided, single submitter. Criteria: ACMG Guidelines, 2015. Collection method: clinical testing. Allele origin: germline. Affected: yes. Observed: 1 variant allele.

Medical Molecular Genetics Department, National Research Center
Classification: Pathogenic for Glycogen storage disease, type II. Last evaluated: 2019-01-12. Review status: criteria provided, single submitter. Criteria: ACMG Guidelines, 2015. Collection method: clinical testing. Allele origin: germline. Affected: yes. Observed: 2 variant alleles.

Literature cited by the submitters: PubMed 34647686 (cited by Genomenon, Inc and AiLife Diagnostics).

NM_000152.5(GAA):c.1193T>C (p.Leu398Pro)

Gene: GAA (alpha glucosidase; plus strand). Cytogenetic location: 17q25.3.
Variant type: single nucleotide variant.
Coding change: c.1193T>C on transcript NM_000152.5 (MANE Select); coding-DNA position 1193, T replaced by C.
Protein change: p.Leu398Pro; replaces leucine 398 with proline.
Molecular consequence: missense variant.
Genome position (GRCh38, 1-based): chr17:80,108,606, T>C. VCF-style: chr17-80108606-T-C. GRCh37 (hg19) VCF-style: chr17-78082405-T-C.
Other names: c.1193T>C, p.Leu398Pro (NM_001079803.3, NM_001079804.3); short protein forms L398P.
Identifiers: ClinVar variation 694452 (VCV000694452.4), dbSNP rs1598577666, ClinGen allele CA401365139.